The following is an entry in ClinVar:

NM_033305.3(VPS13A):c.7456A>G (p.Ile2486Val)

Gene: VPS13A (vacuolar protein sorting 13 homolog A; plus strand). Cytogenetic location: 9q21.2.
Variant type: single nucleotide variant.
Coding change: c.7456A>G on transcript NM_033305.3 (MANE Select); coding-DNA position 7456, A replaced by G.
Protein change: p.Ile2486Val; replaces isoleucine 2486 with valine.
Molecular consequence: missense variant.
Genome position (GRCh38, 1-based): chr9:77,353,445, A>G. VCF-style: chr9-77353445-A-G. GRCh37 (hg19) VCF-style: chr9-79968361-A-G.
Other names: c.7339A>G, p.Ile2447Val (NM_001018037.2); c.7456A>G, p.Ile2486Val (NM_001018038.3, NM_015186.4); short protein forms I2486V, I2447V.
Identifiers: ClinVar variation 518401 (VCV000518401.47), dbSNP rs142981309, ClinGen allele CA5093360.

ClinVar aggregate classification (germline): Benign/Likely benign. Review status: criteria provided, multiple submitters, no conflicts (2 of 4 stars). 8 submissions from 8 submitters: Benign (1); Likely benign (4). 3 of the submissions do not count toward it. Last evaluated 2026-06-01.

Conditions:
VPS13A-related disorder. Also called: VPS13A-related condition.
VPS13A-related neurodegenerative disease. Also called: Choreoacanthocytosis; Chorea-acanthocytosis; VPS13A Disease; Choreaacanthocytosis; ACANTHOCYTOSIS WITH NEUROLOGIC DISORDER; LEVINE-CRITCHLEY SYNDROME. Identifiers: Orphanet 2388, MedGen C0393576, MONDO:0008695, OMIM 200150.

Allele frequency attached by ClinVar (database versions not stated): gnomAD 0.00030 and 0.00059; TOPMed 0.00050; ESP Exome Variant Server 0.00054; gnomAD exomes 0.00106 and 0.00165; ExAC 0.00170; 1000 Genomes Project 30x 0.00219; 1000 Genomes Project 0.00240.
gnomAD v4.1: 1,653 of 1,612,316 alleles (0.1%); highest among the groups gnomAD compares: South Asian, 0.82%; 13 homozygotes.

Submissions (8):

CeGaT Center for Human Genetics Tuebingen
Classification: Likely benign. Last evaluated: 2026-06-01. Review status: criteria provided, single submitter. Criteria: CeGaT Center For Human Genetics Tuebingen Variant Classification Criteria Version 2. Collection method: clinical testing. Allele origin: germline. Affected: yes. Observed: 7 variant alleles.
Comment: VPS13A: BP4, BS1

Labcorp Genetics (formerly Invitae), Labcorp
Classification: Benign. Last evaluated: 2026-01-29. Review status: criteria provided, single submitter. Criteria: Invitae Variant Classification Sherloc (09022015). Collection method: clinical testing. Allele origin: germline.

Department of Pathology and Laboratory Medicine, Sinai Health System
Classification: Likely benign for VPS13A-related neurodegenerative disease. Last evaluated: 2021-09-09. Review status: criteria provided, single submitter. Criteria: ACMG Guidelines, 2015. Collection method: research. Allele origin: germline.

Illumina Laboratory Services, Illumina
Classification: Likely benign for VPS13A-related neurodegenerative disease. Last evaluated: 2018-01-12. Review status: criteria provided, single submitter. Criteria: ICSL Variant Classification Criteria 13 December 2019. Collection method: clinical testing. Allele origin: germline.
Comment: This variant was observed in the ICSL laboratory as part of a predisposition screen in an ostensibly healthy population. It had not been previously curated by ICSL or reported in the Human Gene Mutation Database (HGMD: prior to June 1st, 2018), and was therefore a candidate for classification through an automated scoring system. Utilizing variant allele frequency, disease prevalence and penetrance estimates, and inheritance mode, an automated score was calculated to assess if this variant is too frequent to cause the disease. Based on the score and internal cut-off values, a variant classified as likely benign is not then subjected to further curation. The score for this variant resulted in a classification of likely benign for this disease.

Breakthrough Genomics
Classification: Likely benign. Review status: criteria provided, single submitter. Criteria: ACMG Guidelines, 2015. Collection method: not provided. Allele origin: germline. Inheritance: Autosomal recessive inheritance. Affected: yes.

PreventionGenetics, part of Exact Sciences
Classification: Likely benign for VPS13A-related condition. Last evaluated: 2019-06-12. Review status: no assertion criteria provided. Collection method: clinical testing. Allele origin: germline. Not counted in ClinVar's aggregate classification.
Comment: This variant is classified as likely benign based on ACMG/AMP sequence variant interpretation guidelines (Richards et al. 2015 PMID: 25741868, with internal and published modifications).

Clinical Genetics DNA and cytogenetics Diagnostics Lab, Erasmus MC, Erasmus Medical Center
Classification: Likely benign. Review status: no assertion criteria provided. Collection method: clinical testing. Allele origin: germline. Affected: yes. Study: VKGL Data-share Consensus. Not counted in ClinVar's aggregate classification.

Diagnostic Laboratory, Department of Genetics, University Medical Center Groningen
Classification: Likely benign for VPS13A-related neurodegenerative disease. Review status: no assertion criteria provided. Collection method: clinical testing. Allele origin: germline. Affected: yes. Study: VKGL Data-share Consensus. Not counted in ClinVar's aggregate classification.